The following is an entry in ClinVar:

ClinVar aggregate classification (germline): Pathogenic (1 of 4 stars; one submission).

Submission:

Labcorp Genetics (formerly Invitae), Labcorp
Classification: Pathogenic. Last evaluated: 2024-02-08. Review status: criteria provided, single submitter. Criteria: Invitae Variant Classification Sherloc (09022015). Collection method: clinical testing. Allele origin: germline.
Comment: This sequence change creates a premature translational stop signal (p.Lys803Argfs*78) in the COL2A1 gene. It is expected to result in an absent or disrupted protein product. Loss-of-function variants in COL2A1 are known to be pathogenic (PMID: 20179744). This variant is not present in population databases (gnomAD no frequency). This variant has not been reported in the literature in individuals affected with COL2A1-related conditions. ClinVar contains an entry for this variant (Variation ID: 2027980). For these reasons, this variant has been classified as Pathogenic.

Literature cited by the submitters: PubMed 20179744.

NM_001844.5(COL2A1):c.2406del (p.Lys803fs)

Gene: COL2A1 (collagen type II alpha 1 chain; minus strand). Cytogenetic location: 12q13.11.
Variant type: Deletion.
Coding change: c.2406del on transcript NM_001844.5 (MANE Select); coding-DNA position 2406, one base deleted (G; older notation c.2406delG).
Protein change: p.Lys803fs; shifts the reading frame from lysine 803.
Molecular consequence: frameshift variant.
Genome position (GRCh38, 1-based): chr12:47,981,779, C deleted on the plus strand (G on the coding strand, the reverse complement: COL2A1 is on the minus strand). VCF-style (leftmost placement, unchanged base first): chr12-47981778-TC-T. GRCh37 (hg19) VCF-style: chr12-48375561-TC-T.
Other names: c.2199del, p.Lys734fs (NM_033150.3); short protein forms K734fs, K803fs.
Identifiers: ClinVar variation 2027980 (VCV002027980.4), dbSNP rs2540129675, ClinGen allele CA2580085571.